The following is an entry in ClinVar:

NM_139057.4(ADAMTS17):c.1584C>T (p.Arg528=)

Gene: ADAMTS17 (ADAM metallopeptidase with thrombospondin type 1 motif 17; minus strand). Cytogenetic location: 15q26.3.
Variant type: single nucleotide variant.
Coding change: c.1584C>T on transcript NM_139057.4 (MANE Select); coding-DNA position 1584, C replaced by T.
Protein change: p.Arg528=; no amino-acid change (arginine 528 retained).
Molecular consequence: synonymous variant.
Genome position (GRCh38, 1-based): chr15:100,132,144, G>A on the plus strand (C>T on the coding strand, the complement: ADAMTS17 is on the minus strand). VCF-style: chr15-100132144-G-A. GRCh37 (hg19) VCF-style: chr15-100672349-G-A.
Other names: c.1584C>T (NM_139057.3).
Identifiers: ClinVar variation 1635263 (VCV001635263.11), dbSNP rs754832406, ClinGen allele CA7758163.
Genomic context (GRCh38, chr15:100,132,144, plus strand): 5'-CGGGCTCCAGTCTCCGTCCACATGCTCCGGGATGGGCGTCTTGCTCACGCACTCCCCCGC[G>A]CGGCACCACTGAAACACAGCGGGGAGGGTCGGGGCCCAGGCACTCAGCAGAGCTGCTCAC-3'
Protein context (NP_620688.2, residues 518-538): GTECGADKWC[Arg528=]AGECVSKTPI

ClinVar aggregate classification (germline): Likely benign. Review status: criteria provided, multiple submitters, no conflicts (2 of 4 stars). 3 submissions from 3 submitters: Likely benign (2). 1 of the submissions does not count toward it. Last evaluated 2025-12-29.

Conditions:
ADAMTS17-related disorder. Also called: ADAMTS17-related condition.

Allele frequency attached by ClinVar (database versions not stated): TOPMed 0.00014; ExAC 0.00016; gnomAD 0.00018; gnomAD exomes 0.00019 and 0.00022.
gnomAD v4.1: 338 of 1,613,418 alleles (0.021%); highest among the groups gnomAD compares: Middle Eastern, 0.033%; no homozygotes.

Submissions (3):

Labcorp Genetics (formerly Invitae), Labcorp
Classification: Likely benign. Last evaluated: 2025-12-29. Review status: criteria provided, single submitter. Criteria: Invitae Variant Classification Sherloc (09022015). Collection method: clinical testing. Allele origin: germline.

Blueprint Genetics
Classification: Likely benign. Last evaluated: 2024-11-26. Review status: criteria provided, single submitter. Criteria: ACMG Guidelines, 2015. Collection method: clinical testing. Allele origin: germline.

PreventionGenetics, part of Exact Sciences
Classification: Likely benign for ADAMTS17-related condition. Last evaluated: 2019-08-30. Review status: no assertion criteria provided. Collection method: clinical testing. Allele origin: germline. Not counted in ClinVar's aggregate classification.
Comment: This variant is classified as likely benign based on ACMG/AMP sequence variant interpretation guidelines (Richards et al. 2015 PMID: 25741868, with internal and published modifications).